The following is an entry in ClinVar:

ClinVar aggregate classification (germline): Likely pathogenic. Review status: criteria provided, single submitter (1 of 4 stars). 2 submissions from 2 submitters: Likely pathogenic (1). 1 of the submissions does not count toward it. Last evaluated 2024-12-21.

Conditions:
Congenital myasthenic syndrome 11. Also called: MYASTHENIC SYNDROME, CONGENITAL, Ie; Myasthenic syndrome, congenital, 11, associated with acetylcholine receptor deficiency. Identifiers: Orphanet 590, MedGen C4225367, MONDO:0014588, OMIM 616326.
Congenital myasthenic syndrome (CMS). Also called: Congenital Myasthenic Syndromes. Identifiers: Orphanet 590, MedGen C0751882, MeSH D020294, MONDO:0018940.

Submissions (2):

Natera, Inc.
Classification: Likely pathogenic for Congenital myasthenic syndrome. Last evaluated: 2024-12-21. Review status: criteria provided, single submitter. Criteria: Natera Variant Classification Schema (03/2026). Collection method: clinical testing. Allele origin: germline.
Comment: The c.193-2A>C variant in RAPSN is a canonical splice acceptor site variant predicted to affect pre-mRNA splicing, which may result in an abnormal transcript and altered protein product. This variant is expected to result in nonsense mediated decay, truncation, or a dysfunctional protein product. This variant is rare in the general population with a frequency below the threshold expected for the associated phenotype(s). Given the available evidence, this variant is classified as Likely Pathogenic.

Baylor Genetics
Classification: Likely pathogenic for Congenital myasthenic syndrome 11. Review status: no assertion criteria provided. Collection method: clinical testing. Allele origin: unknown. Not counted in ClinVar's aggregate classification.

NM_005055.5(RAPSN):c.193-2A>C

Gene: RAPSN (receptor associated protein of the synapse; minus strand). Cytogenetic location: 11p11.2.
Variant type: single nucleotide variant.
Coding change: c.193-2A>C on transcript NM_005055.5 (MANE Select); the canonical splice acceptor site of the intron before coding-DNA position 193, A replaced by C.
Molecular consequence: splice acceptor variant.
Genome position (GRCh38, 1-based): chr11:47,448,152, T>G on the plus strand (A>C on the coding strand, the complement: RAPSN is on the minus strand). VCF-style: chr11-47448152-T-G. GRCh37 (hg19) VCF-style: chr11-47469704-T-G.
Other names: c.193-2A>C (NM_032645.5).
Identifiers: ClinVar variation 813472 (VCV000813472.3), dbSNP rs1595902947, ClinGen allele CA380335478.